The following is an entry in ClinVar:

NM_002693.3(POLG):c.244G>C (p.Gly82Arg)

Genes: POLG (DNA polymerase gamma, catalytic subunit; minus strand), POLGARF (POLG alternative reading frame; minus strand). Cytogenetic location: 15q26.1.
Variant type: single nucleotide variant.
Coding change: c.244G>C on transcript NM_002693.3 (MANE Select); coding-DNA position 244, G replaced by C.
Protein change: p.Gly82Arg; replaces glycine 82 with arginine.
Molecular consequence: missense variant.
Genome position (GRCh38, 1-based): chr15:89,333,511, C>G on the plus strand (G>C on the coding strand, the complement: POLG is on the minus strand). VCF-style: chr15-89333511-C-G. GRCh37 (hg19) VCF-style: chr15-89876742-C-G.
Other names: c.299G>C, p.Arg100Thr (NM_001430120.1); c.244G>C, p.Gly82Arg (NM_001126131.2); short protein forms G82R, R100T.
Identifiers: ClinVar variation 4810239 (VCV004810239.1).

ClinVar aggregate classification (germline): Uncertain significance (1 of 4 stars; one submission).

Conditions:
Progressive sclerosing poliodystrophy (MTDPS4A). Also called: ALPERS PROGRESSIVE INFANTILE POLIODYSTROPHY; NEURONAL DEGENERATION OF CHILDHOOD WITH LIVER DISEASE, PROGRESSIVE; Mitochondrial DNA Depletion Syndrome 4A; Alpers Syndrome; ALPERS DIFFUSE DEGENERATION OF CEREBRAL GRAY MATTER WITH HEPATIC CIRRHOSIS; Alpers-Huttenlocher Syndrome. Identifiers: Orphanet 726, MedGen C0205710, MONDO:0008758, OMIM 203700.

gnomAD v4.1: 1 of 1,612,738 alleles (0.000062%); highest among the groups gnomAD compares: African/African-American, 0.0013%; no homozygotes.

Submission:

Labcorp Genetics (formerly Invitae), Labcorp
Classification: Uncertain significance for Progressive sclerosing poliodystrophy. Last evaluated: 2025-12-16. Review status: criteria provided, single submitter. Criteria: Invitae Variant Classification Sherloc (09022015). Collection method: clinical testing. Allele origin: germline.
Comment: This sequence change replaces glycine, which is neutral and non-polar, with arginine, which is basic and polar, at codon 82 of the POLG protein (p.Gly82Arg). This variant is not present in population databases (gnomAD no frequency). This variant has not been reported in the literature in individuals affected with POLG-related conditions. Invitae Evidence Modeling of protein sequence and biophysical properties (such as structural, functional, and spatial information, amino acid conservation, physicochemical variation, residue mobility, and thermodynamic stability) indicates that this missense variant is expected to disrupt POLG protein function with a positive predictive value of 80%. In summary, the available evidence is currently insufficient to determine the role of this variant in disease. Therefore, it has been classified as a Variant of Uncertain Significance.